The following is an entry in ClinVar:

ClinVar aggregate classification (germline): Uncertain significance. Review status: criteria provided, multiple submitters, no conflicts (2 of 4 stars). 2 submissions from 2 submitters: Uncertain significance (2). Last evaluated 2025-01-20.

gnomAD v4.1: 2 of 1,416,006 alleles (0.00014%); highest among the groups gnomAD compares: Non-Finnish European, 0.00018%; no homozygotes.

Submissions (2):

Labcorp Genetics (formerly Invitae), Labcorp
Classification: Uncertain significance. Last evaluated: 2025-01-20. Review status: criteria provided, single submitter. Criteria: Invitae Variant Classification Sherloc (09022015). Collection method: clinical testing. Allele origin: germline.
Comment: This sequence change replaces alanine, which is neutral and non-polar, with valine, which is neutral and non-polar, at codon 54 of the CTDP1 protein (p.Ala54Val). The frequency data for this variant in the population databases is considered unreliable, as metrics indicate poor data quality at this position in the gnomAD database. This variant has not been reported in the literature in individuals affected with CTDP1-related conditions. An algorithm developed to predict the effect of missense changes on protein structure and function (PolyPhen-2) suggests that this variant is likely to be tolerated. In summary, the available evidence is currently insufficient to determine the role of this variant in disease. Therefore, it has been classified as a Variant of Uncertain Significance.

Ambry Genetics
Classification: Uncertain significance. Last evaluated: 2024-10-04. Review status: criteria provided, single submitter. Criteria: Ambry Variant Classification Scheme 2023. Collection method: clinical testing. Allele origin: germline.

NM_004715.5(CTDP1):c.161C>T (p.Ala54Val)

Gene: CTDP1 (CTD phosphatase subunit 1; plus strand). Cytogenetic location: 18q23.
Variant type: single nucleotide variant.
Coding change: c.161C>T on transcript NM_004715.5 (MANE Select); coding-DNA position 161, C replaced by T.
Protein change: p.Ala54Val; replaces alanine 54 with valine.
Molecular consequence: missense variant.
Genome position (GRCh38, 1-based): chr18:79,680,108, C>T. VCF-style: chr18-79680108-C-T. GRCh37 (hg19) VCF-style: chr18-77440108-C-T.
Other names: c.161C>T, p.Ala54Val (NM_001318511.2, NM_048368.4); short protein forms A54V.
Identifiers: ClinVar variation 3498135 (VCV003498135.3).
Genomic context (GRCh38, chr18:79,680,108, plus strand): 5'-AGTGGAGGGTGGCGGCGGGCGCGGCCGTGCGCATCGGCTCGGTGCTGGCCGTGTTCGAGG[C>T]CGCCGCCTCCGCGCAGTCCTCCGGGGCCTCTCAGTCCCGTGTAGCCTCCGGGGGCTGCGT-3'
Protein context (NP_004706.3, residues 44-64): RIGSVLAVFE[Ala54Val]AASAQSSGAS